The following is an entry in ClinVar:

NM_000095.3(COMP):c.1544A>G (p.Asp515Gly)

Gene: COMP (cartilage oligomeric matrix protein; minus strand). Cytogenetic location: 19p13.11.
Variant type: single nucleotide variant.
Coding change: c.1544A>G on transcript NM_000095.3 (MANE Select); coding-DNA position 1544, A replaced by G.
Protein change: p.Asp515Gly; replaces aspartic acid 515 with glycine.
Molecular consequence: missense variant.
Genome position (GRCh38, 1-based): chr19:18,785,797, T>C on the plus strand (A>G on the coding strand, the complement: COMP is on the minus strand). VCF-style: chr19-18785797-T-C. GRCh37 (hg19) VCF-style: chr19-18896607-T-C.
Other names: short protein forms D515G.
Identifiers: ClinVar variation 2736852 (VCV002736852.3), dbSNP rs2512847037, ClinGen allele CA404883365.

ClinVar aggregate classification (germline): Pathogenic (1 of 4 stars; one submission).

Submission:

Labcorp Genetics (formerly Invitae), Labcorp
Classification: Pathogenic. Last evaluated: 2023-11-06. Review status: criteria provided, single submitter. Criteria: Invitae Variant Classification Sherloc (09022015). Collection method: clinical testing. Allele origin: germline.
Comment: This sequence change replaces aspartic acid, which is acidic and polar, with glycine, which is neutral and non-polar, at codon 515 of the COMP protein (p.Asp515Gly). This variant is not present in population databases (gnomAD no frequency). This missense change has been observed in individual(s) with pseudoachondroplasia (PMID: 21922596). In at least one individual the variant was observed to be de novo. Advanced modeling of protein sequence and biophysical properties (such as structural, functional, and spatial information, amino acid conservation, physicochemical variation, residue mobility, and thermodynamic stability) performed at Invitae indicates that this missense variant is expected to disrupt COMP protein function with a positive predictive value of 80%. This variant disrupts the p.Asp515 amino acid residue in COMP. Other variant(s) that disrupt this residue have been determined to be pathogenic (Invitae). This suggests that this residue is clinically significant, and that variants that disrupt this residue are likely to be disease-causing. For these reasons, this variant has been classified as Pathogenic.

Literature cited by the submitters: PubMed 21922596.